The following is an entry in ClinVar:

NM_058216.3(RAD51C):c.905-2_905-1del

Gene: RAD51C (RAD51 paralog C; plus strand). Cytogenetic location: 17q22.
Variant type: Deletion.
Coding change: c.905-2_905-1del on transcript NM_058216.3 (MANE Select); the canonical splice acceptor site of the intron before coding-DNA position 905, 2 bases deleted (AG; older notation c.905-2_905-1delAG).
Molecular consequence: splice acceptor variant.
Genome position (GRCh38, 1-based): chr17:58,724,038-58,724,039, AG deleted. VCF-style (leftmost placement, unchanged base first): chr17-58724037-CAG-C. GRCh37 (hg19) VCF-style: chr17-56801398-CAG-C.
Other names: c.905-2_905-1del (LRG_314t1, NM_058216.1); c.905-2_905-1delAG (NM_058216.2, NM_058216.3); c.905-2_905-1del2 (NM_058216.3).
Identifiers: ClinVar variation 141768 (VCV000141768.63), dbSNP rs587781995, ClinGen allele CA166374.

ClinVar aggregate classification (germline): Pathogenic/Likely pathogenic. Review status: criteria provided, multiple submitters, no conflicts (2 of 4 stars). 25 submissions from 25 submitters: Pathogenic (18); Likely pathogenic (4). 3 of the submissions do not count toward it. Last evaluated 2026-02-25.

Conditions:
RAD51C-related disorder. Also called: RAD51C-related disorders; RAD51C-related condition.
Fanconi anemia complementation group O. Also called: RAD51C-Related Fanconi Anemia. Identifiers: Orphanet 84, MedGen C3150653, MONDO:0013248, OMIM 613390.
Breast-ovarian cancer, familial, susceptibility to, 3. Also called: RAD51C-Related Breast/Ovarian Cancer. Identifiers: Orphanet 145, MedGen C3150659, MONDO:0013253, OMIM 613399.
Breast and/or ovarian cancer. Identifiers: MedGen CN221562.
Hereditary cancer-predisposing syndrome. Also called: Neoplastic Syndromes, Hereditary; Tumor predisposition; Hereditary neoplastic syndrome; Hereditary Cancer Syndrome. Identifiers: Orphanet 140162, MedGen C0027672, MeSH D009386, MONDO:0015356.
Hereditary breast ovarian cancer syndrome. Also called: Breast and ovarian cancer; BRCA1- and BRCA2-Associated Hereditary Breast and Ovarian Cancer; Hereditary breast and/or ovarian cancer syndrome; Hereditary breast and ovarian cancer syndrome; Hereditary breast and ovarian cancer; Hereditary breast and ovarian cancer syndrome (HBOC). Identifiers: Orphanet 145, MedGen C0677776, MeSH D061325, MONDO:0003582. Disease mechanism: loss of function.

Allele frequency attached by ClinVar (database versions not stated): TOPMed below 0.00001; gnomAD 0.00001; gnomAD exomes 0.00001; ExAC 0.00002.

Submissions 1 to 10 of 25:

Dasa
Classification: Pathogenic. Last evaluated: 2026-02-25. Review status: criteria provided, single submitter. Criteria: DASA Assertion Criteria. Collection method: clinical testing. Allele origin: germline.
Comment: NM_058216.3(RAD51C):c.905-2_905-1del is a splice-region variant predicted to affect normal RNA splicing. The affected molecular context has prior evidence supporting clinical relevance. Published studies describe this variant in association with related phenotype (PMID: 26822949). Also, this variant is rare in population databases. Based on the currently available evidence, this variant is classified as pathogenic.

Labcorp Genetics (formerly Invitae), Labcorp
Classification: Pathogenic for Fanconi anemia complementation group O. Last evaluated: 2026-01-26. Review status: criteria provided, single submitter. Criteria: Invitae Variant Classification Sherloc (09022015). Collection method: clinical testing. Allele origin: germline.
Comment: This sequence change affects a splice site in intron 6 of the RAD51C gene. RNA analysis indicates that disruption of this splice site induces altered splicing and likely disrupts the C-terminus of the protein. This variant is present in population databases (rs587781995, gnomAD 0.006%). Disruption of this splice site has been observed in individual(s) with ovarian cancer and breast cancer (PMID: 26261251, 26822949). This variant is also known as 905-2delAG and c.905-2_1delAG. ClinVar contains an entry for this variant (Variation ID: 141768). Studies have shown that disruption of this splice site results in skipping of exon 7 and introduces a new termination codon (internal data). However the mRNA is not expected to undergo nonsense-mediated decay. This variant disrupts the nuclear localization signal (NLS) of the RAD51C protein, which is important for proper localization and function of the RAD51C protein (PMID:12966089). While functional studies have not been performed to directly test the effect of this variant on RAD51C protein function, this suggests that disruption of this region of the protein is causative of disease. For these reasons, this variant has been classified as Pathogenic.

CeGaT Center for Human Genetics Tuebingen
Classification: Pathogenic. Last evaluated: 2025-09-01. Review status: criteria provided, single submitter. Criteria: CeGaT Center For Human Genetics Tuebingen Variant Classification Criteria Version 2. Collection method: clinical testing. Allele origin: germline. Affected: yes. Observed: 4 variant alleles.
Comment: RAD51C: PVS1, PM2, PS4:Moderate

Molecular Diagnostics Laboratory, Catalan Institute of Oncology
Classification: Pathogenic for Hereditary cancer-predisposing syndrome. Last evaluated: 2025-07-17. Review status: criteria provided, single submitter. Criteria: ACMG Guidelines, 2015. Collection method: clinical testing. Allele origin: germline.
Comment: PVS1 (RNA), PS4, PM2_Supporting The variant c.905-2_905-1del is located at the canonical splice acceptor site of RAD51C intron 6. The SpliceAI algorithm predicts that this variant abolishes the splice site. RNA studies in peripheral blood leukocytes from carrier individuals, as well as minigene assays, have demonstrated that the variant causes complete skipping of exon 7 (r.905_965del), resulting in a frameshift and the generation of a premature stop codon (p.Glu303Trpfs*41) (PMID: 26822949, 33333735) (PVS1 (RNA)). This variant is found in 3 out of 236,802 alleles, corresponding to a frequency of 0.0013%, in the gnomAD v2.1.1 non-cancer dataset (PM2_supporting). A case-control study showed an increased prevalence of the variant in individuals affected with breast cancer compared to controls (OR = 6.9, 95% CI: 1.34�35.61, p = 0.02) (PMID: 33333735) (PS4). The variant has been reported in the ClinVar database (13x pathogenic, 6x likely pathogenic, 1x uncertain significance). Based on the currently available evidence, the variant c.905-2_905-1del should be classified as pathogenic according to the ACMG/AMP guidelines.

PreventionGenetics, part of Exact Sciences
Classification: Pathogenic for RAD51C-related condition. Last evaluated: 2025-05-07. Review status: criteria provided, single submitter. Criteria: ACMG Guidelines, 2015. Collection method: clinical testing. Allele origin: germline.
Comment: The RAD51C c.905-2_905-1delAG variant is predicted to result in a deletion affecting a canonical splice site. This variant has been reported in multiple individuals with breast, ovarian, or renal cancer (Table A3, Song et al. 2015. PubMed ID: 26261251; Lhota et al. 2016. PubMed ID: 26822949; Table S7, Lilyquist et al. 2017. PubMed ID: 28888541; Table S4, Hartman et al. 2020. PubMed ID: 32782288). mRNA studies showed that this variant leads to the skipping of exon 7 resulting in a frameshift and premature protein termination (Figure S2, Lhota et al. 2016. PubMed ID: 26822949; Sanoguera-Miralles et al. 2020. PubMed ID: 33333735). This variant is reported in 0.0054% of alleles in individuals of East Asian descent in gnomAD and has been interpreted as pathogenic/likely pathogenic in the ClinVar database. This variant is interpreted as pathogenic.

Quest Diagnostics Nichols Institute San Juan Capistrano
Classification: Pathogenic. Last evaluated: 2025-05-05. Review status: criteria provided, single submitter. Criteria: Quest Diagnostics criteria. Collection method: clinical testing. Allele origin: unknown.
Comment: The RAD51C c.905-2_905-1del variant alters the translational reading frame of the RAD51C mRNA and causes the premature termination of RAD51C protein synthesis. This variant has been reported in the published literature in individuals with a personal and/or family history of breast and/or ovarian cancer (PMID: 33333735 (2020), 30613976 (2019), 30333958 (2018), 26822949 (2016), 26261251 (2015)) and in a cohort of individuals with cancer (PMID: 37065479 (2023)). In a large scale breast cancer association study, this variant has been observed in breast cancer cases and reportedly unaffected individuals (PMID: 33471991 (2021), see also LOVD). A published minigene splicing assay demonstrated that this variant causes a premature termination codon (PMID: 33333735 (2020)). The frequency of this variant in the general population (Genome Aggregation Database) is consistent with pathogenicity. Based on the available information, this variant is classified as pathogenic.

Center for Genomic Medicine, Rigshospitalet, Copenhagen University Hospital
Classification: Pathogenic. Last evaluated: 2025-03-04. Review status: criteria provided, single submitter. Criteria: ACMG Guidelines, 2015. Collection method: clinical testing. Allele origin: germline.

Department of Pathology and Laboratory Medicine, Sinai Health System
Classification: Pathogenic for Fanconi anemia complementation group O; Breast-ovarian cancer, familial, susceptibility to, 3. Last evaluated: 2024-11-25. Review status: criteria provided, single submitter. Criteria: ACMG Guidelines, 2015. Collection method: clinical testing. Allele origin: germline.

Department of Human Genetics, Hannover Medical School
Classification: Likely pathogenic for Breast-ovarian cancer, familial, susceptibility to, 3. Last evaluated: 2024-09-25. Review status: criteria provided, single submitter. Criteria: ACMG Guidelines, 2015. Collection method: clinical testing. Allele origin: germline. Inheritance: Autosomal dominant inheritance. Affected: yes.

Fulgent Genetics
Classification: Pathogenic for Fanconi anemia complementation group O; Breast-ovarian cancer, familial, susceptibility to, 3. Last evaluated: 2024-03-28. Review status: criteria provided, single submitter. Criteria: ACMG Guidelines, 2015. Collection method: clinical testing. Allele origin: germline.